The following is an entry in ClinVar:

NM_003872.3(NRP2):c.2425+9726G>A

Gene: NRP2 (neuropilin 2; plus strand). Cytogenetic location: 2q33.3.
Variant type: single nucleotide variant.
Coding change: c.2425+9726G>A on transcript NM_003872.3 (MANE Select); 9726 bases into the intron after coding-DNA position 2425, G replaced by A.
Molecular consequence: intron variant. On other transcripts: 3 prime UTR variant (2).
Genome position (GRCh38, 1-based): chr2:205,776,529, G>A. VCF-style: chr2-205776529-G-A. GRCh37 (hg19) VCF-style: chr2-206641253-G-A.
Other names: c.*3G>A (NM_018534.4, NM_201267.2); c.2440+9711G>A (NM_201266.2); c.2425+9726G>A (NM_201279.2).
Identifiers: ClinVar variation 3354550 (VCV003354550.1).

ClinVar aggregate classification (germline): Likely benign (0 of 4 stars; one submission).

Conditions:
NRP2-related disorder. Also called: NRP2-related condition.

gnomAD v4.1: 11 of 1,603,420 alleles (0.00069%); highest among the groups gnomAD compares: Non-Finnish European, 0.00093%; no homozygotes.

Submission:

PreventionGenetics, part of Exact Sciences
Classification: Likely benign for NRP2-related condition. Last evaluated: 2024-01-31. Review status: no assertion criteria provided. Collection method: clinical testing. Allele origin: germline.
Comment: This variant is classified as likely benign based on ACMG/AMP sequence variant interpretation guidelines (Richards et al. 2015 PMID: 25741868, with internal and published modifications).